The following is an entry in ClinVar:

ClinVar aggregate classification (germline): Pathogenic. Review status: criteria provided, multiple submitters, no conflicts (2 of 4 stars). 2 submissions from 2 submitters: Pathogenic (2). Last evaluated 2026-01-13.

Conditions:
Ehlers-Danlos syndrome, type 4 (EDSVASC). Also called: Ehlers-Danlos syndrome vascular type; Ehlers Danlos syndrome, ecchymotic type; Ehlers Danlos syndrome, arterial type; Ehlers Danlos syndrome, Sack-Barabas type; Ehlers-Danlos Syndrome Type IV. Identifiers: Orphanet 286, MedGen C0268338, MONDO:0017314, OMIM 130050.
Familial thoracic aortic aneurysm and aortic dissection (TAAD). Also called: Thoracic aortic aneurysms and dissections. Identifiers: Orphanet 91387, MedGen C4707243, MONDO:0019625.

Submissions (2):

Labcorp Genetics (formerly Invitae), Labcorp
Classification: Pathogenic for Ehlers-Danlos syndrome, type 4. Last evaluated: 2026-01-13. Review status: criteria provided, single submitter. Criteria: Invitae Variant Classification Sherloc (09022015). Collection method: clinical testing. Allele origin: germline.
Comment: This sequence change creates a premature translational stop signal (p.Pro701Leufs*90) in the COL3A1 gene. It is expected to result in an absent or disrupted protein product. Loss-of-function variants in COL3A1 are known to be pathogenic (PMID: 24922459). This variant is not present in population databases (gnomAD no frequency). This premature translational stop signal has been observed in individual(s) with congenital heart disease (PMID: 33084842). ClinVar contains an entry for this variant (Variation ID: 3495467). For these reasons, this variant has been classified as Pathogenic.

Ambry Genetics
Classification: Pathogenic for Familial thoracic aortic aneurysm and aortic dissection. Last evaluated: 2024-10-29. Review status: criteria provided, single submitter. Criteria: Ambry Variant Classification Scheme 2023. Collection method: clinical testing. Allele origin: germline.
Comment: The c.2097delT pathogenic mutation, located in coding exon 30 of the COL3A1 gene, results from a deletion of one nucleotide at nucleotide position 2097, causing a translational frameshift with a predicted alternate stop codon (p.P701Lfs*90). This variant is considered to be rare based on population cohorts in the Genome Aggregation Database (gnomAD). This alteration is expected to result in loss of function by premature protein truncation or nonsense-mediated mRNA decay. As such, this alteration is interpreted as a disease-causing mutation.

Literature cited by the submitters: PubMed 24922459 (cited by Labcorp Genetics (formerly Invitae), Labcorp); PubMed 33084842 (cited by Labcorp Genetics (formerly Invitae), Labcorp).

NM_000090.4(COL3A1):c.2097del (p.Pro701fs)

Gene: COL3A1 (collagen type III alpha 1 chain; plus strand). Cytogenetic location: 2q32.2.
Variant type: Deletion.
Coding change: c.2097del on transcript NM_000090.4 (MANE Select); coding-DNA position 2097, one base deleted (T; older notation c.2097delT).
Protein change: p.Pro701fs; shifts the reading frame from proline 701.
Molecular consequence: frameshift variant.
Genome position (GRCh38, 1-based): chr2:188,999,359, T deleted. VCF-style (leftmost placement, unchanged base first): chr2-188999358-GT-G. GRCh37 (hg19) VCF-style: chr2-189864084-GT-G.
Other names: short protein forms P701fs.
Identifiers: ClinVar variation 3495467 (VCV003495467.3).